The following is an entry in ClinVar:

ClinVar aggregate classification (germline): Conflicting classifications of pathogenicity. Review status: criteria provided, conflicting classifications (1 of 4 stars). 2 submissions from 2 submitters: Uncertain significance (1); Benign (1). Last evaluated 2025-08-15.

Conditions:
Adams-Oliver syndrome 5 (AOS5). Identifiers: Orphanet 974, MedGen C4014970, MONDO:0014459, OMIM 616028.
Familial thoracic aortic aneurysm and aortic dissection (TAAD). Also called: Thoracic aortic aneurysms and dissections. Identifiers: Orphanet 91387, MedGen C4707243, MONDO:0019625.

Allele frequency attached by ClinVar (database versions not stated): gnomAD exomes 0.00001; ExAC 0.00002; gnomAD 0.00002; TOPMed 0.00002.
gnomAD v4.1: 10 of 1,612,976 alleles (0.00062%); highest among the groups gnomAD compares: East Asian, 0.022%; no homozygotes.

Submissions (2):

Ambry Genetics
Classification: Uncertain significance for Familial thoracic aortic aneurysm and aortic dissection. Last evaluated: 2025-08-15. Review status: criteria provided, single submitter. Criteria: Ambry Variant Classification Scheme 2023. Collection method: clinical testing. Allele origin: germline.
Comment: The c.2931G>A variant (also known as p.G977G), located in coding exon 18 of the NOTCH1 gene, results from a G to A substitution at nucleotide position 2931. This nucleotide substitution does not change the glycine at codon 977. This nucleotide position is poorly conserved in available vertebrate species. In silico splice site analysis for this alteration is inconclusive. Based on the available evidence, the clinical significance of this variant remains unclear.

Labcorp Genetics (formerly Invitae), Labcorp
Classification: Benign for Adams-Oliver syndrome 5. Last evaluated: 2024-05-31. Review status: criteria provided, single submitter. Criteria: Invitae Variant Classification Sherloc (09022015). Collection method: clinical testing. Allele origin: germline.

NM_017617.5(NOTCH1):c.2931G>A (p.Gly977=)

Gene: NOTCH1 (notch receptor 1; minus strand). Cytogenetic location: 9q34.3.
Variant type: single nucleotide variant.
Coding change: c.2931G>A on transcript NM_017617.5 (MANE Select); coding-DNA position 2931, G replaced by A.
Protein change: p.Gly977=; no amino-acid change (glycine 977 retained).
Molecular consequence: synonymous variant.
Genome position (GRCh38, 1-based): chr9:136,509,771, C>T on the plus strand (G>A on the coding strand, the complement: NOTCH1 is on the minus strand). VCF-style: chr9-136509771-C-T. GRCh37 (hg19) VCF-style: chr9-139404223-C-T.
Other names: c.2931G>A (NM_017617.3).
Identifiers: ClinVar variation 2851495 (VCV002851495.4), dbSNP rs767071793, ClinGen allele CA5341108.
Genomic context (GRCh38, chr9:136,509,771, plus strand): 5'-GCCTCACTCGAGCCCCGCACACCTCTCTGTGCAGTCAGGCGTGTTGTTCTCACAGTGGAT[C>T]CCGCTGAAGCCTGCGGGGCAGGTGCACGTGTAGCTGTCCACGCAGTCCGTGCAGTTGGCC-3'
Protein context (NP_060087.3, residues 967-987): YTCTCPAGFS[Gly977=]IHCENNTPDC